The following is an entry in ClinVar:

NM_152383.5(DIS3L2):c.2306A>C (p.Glu769Ala)

Gene: DIS3L2 (DIS3 like 3'-5' exoribonuclease 2; plus strand). Cytogenetic location: 2q37.1.
Variant type: single nucleotide variant.
Coding change: c.2306A>C on transcript NM_152383.5 (MANE Select); coding-DNA position 2306, A replaced by C.
Protein change: p.Glu769Ala; replaces glutamic acid 769 with alanine.
Molecular consequence: missense variant. On other transcripts: non-coding transcript variant (2), intron variant (1).
Genome position (GRCh38, 1-based): chr2:232,334,647, A>C. VCF-style: chr2-232334647-A-C. GRCh37 (hg19) VCF-style: chr2-233199357-A-C.
Other names: c.1582-8698A>C (NM_001257281.2); short protein forms E769A.
Identifiers: ClinVar variation 4743808 (VCV004743808.1).

ClinVar aggregate classification (germline): Uncertain significance (1 of 4 stars; one submission).

Conditions:
Perlman syndrome (PRLMNS). Identifiers: Orphanet 2849, MedGen C0796113, MONDO:0009965, OMIM 267000.

Submission:

Labcorp Genetics (formerly Invitae), Labcorp
Classification: Uncertain significance for Perlman syndrome. Last evaluated: 2025-02-10. Review status: criteria provided, single submitter. Criteria: Invitae Variant Classification Sherloc (09022015). Collection method: clinical testing. Allele origin: germline.
Comment: This sequence change replaces glutamic acid, which is acidic and polar, with alanine, which is neutral and non-polar, at codon 769 of the DIS3L2 protein (p.Glu769Ala). This variant is not present in population databases (gnomAD no frequency). This variant has not been reported in the literature in individuals affected with DIS3L2-related conditions. Invitae Evidence Modeling of protein sequence and biophysical properties (such as structural, functional, and spatial information, amino acid conservation, physicochemical variation, residue mobility, and thermodynamic stability) indicates that this missense variant is not expected to disrupt DIS3L2 protein function with a negative predictive value of 80%. In summary, the available evidence is currently insufficient to determine the role of this variant in disease. Therefore, it has been classified as a Variant of Uncertain Significance.